The following is an entry in ClinVar:

ClinVar aggregate classification (germline): Uncertain significance (1 of 4 stars; one submission).

Conditions:
Immunodeficiency, common variable, 7. Identifiers: Orphanet 1572, Orphanet 696894, MedGen C3542922, MONDO:0013862, OMIM 614699.

gnomAD v4.1: 3 of 1,609,392 alleles (0.00019%); highest among the groups gnomAD compares: Non-Finnish European, 0.00025%; no homozygotes.

Submission:

MVZ Medizinische Genetik Mainz
Classification: Uncertain significance for Immunodeficiency, common variable, 7. Last evaluated: 2025-02-11. Review status: criteria provided, single submitter. Criteria: UK Practice Guidelines For Variant Classification V4 01 2020. Collection method: clinical testing. Allele origin: germline. Inheritance: Autosomal recessive inheritance. Affected: yes. Observed: 1 variant allele.
Comment: ACMG Criteria: PP3_STR,PM2_SUP

NM_001006658.3(CR2):c.395G>A (p.Cys132Tyr)

Gene: CR2 (complement C3d receptor 2; plus strand). Cytogenetic location: 1q32.2.
Variant type: single nucleotide variant.
Coding change: c.395G>A on transcript NM_001006658.3 (MANE Select); coding-DNA position 395, G replaced by A.
Protein change: p.Cys132Tyr; replaces cysteine 132 with tyrosine.
Molecular consequence: missense variant.
Genome position (GRCh38, 1-based): chr1:207,466,862, G>A. VCF-style: chr1-207466862-G-A. GRCh37 (hg19) VCF-style: chr1-207640207-G-A.
Other names: c.395G>A, p.Cys132Tyr (NM_001877.5); short protein forms C132Y.
Identifiers: ClinVar variation 3764781 (VCV003764781.1).